The following is an entry in ClinVar:

NM_018896.5(CACNA1G):c.3568C>T (p.Arg1190Ter)

Gene: CACNA1G (calcium voltage-gated channel subunit alpha1 G; plus strand). Cytogenetic location: 17q21.33.
Variant type: single nucleotide variant.
Coding change: c.3568C>T on transcript NM_018896.5 (MANE Select); coding-DNA position 3568, C replaced by T.
Protein change: p.Arg1190Ter; replaces arginine 1190 with a stop codon.
Molecular consequence: nonsense. On other transcripts: non-coding transcript variant (5).
Genome position (GRCh38, 1-based): chr17:50,599,737, C>T. VCF-style: chr17-50599737-C-T. GRCh37 (hg19) VCF-style: chr17-48677098-C-T.
Other names: c.3568C>T, p.Arg1190Ter (NM_001256324.2, NM_001256325.2, NM_001256326.2 and 16 more transcripts); c.3499C>T, p.Arg1167Ter (NM_001256332.2, NM_198376.3, NM_198379.3 and 5 more transcripts); short protein forms R1167*, R1190*.
Identifiers: ClinVar variation 1708609 (VCV001708609.3), dbSNP rs2545426730, ClinGen allele CA400253765.
Genomic context (GRCh38, chr17:50,599,737, plus strand): 5'-AGTTCCTTTGACCTGCCAGACACACTGCAGGTGCCAGGGCTGCATCGCACTGCCAGTGGC[C>T]GAGGGTCTGCTTCTGAGCACCAGGACTGCAATGGCAAGTCGGCTTCAGGGCGCCTGGCCC-3'

ClinVar aggregate classification (germline): Uncertain significance (1 of 4 stars; one submission).

Submission:

GeneDx
Classification: Uncertain significance. Last evaluated: 2023-04-11. Review status: criteria provided, single submitter. Criteria: GeneDx Variant Classification Process June 2021. Collection method: clinical testing. Allele origin: germline. Affected: yes.
Comment: Not observed at significant frequency in large population cohorts (gnomAD); Nonsense variant predicted to result in protein truncation or nonsense mediated decay in a gene or region of a gene for which loss of function is not a well-established mechanism of disease; Has not been previously published as pathogenic or benign to our knowledge